The following is an entry in ClinVar:

ClinVar aggregate classification (germline): Uncertain significance. Review status: criteria provided, multiple submitters, no conflicts (2 of 4 stars). 6 submissions from 6 submitters: Uncertain significance (6). Last evaluated 2026-05-05.

Conditions:
Malignant hyperthermia, susceptibility to, 1 (MHS1). Also called: RYR1-Related Malignant Hyperthermia Susceptibility; Anesthesia related hyperthermia; Malignant hyperpyrexia; Fulminating hyperpyrexia; Pharmacogenic myopathy; Malignant hyperthermia suceptibility 1. Identifiers: Orphanet 423, MedGen C2930980, MONDO:0007783, OMIM 145600.
RYR1-related disorder. Also called: RYR1-related disorders; RYR1-related condition. Identifiers: MedGen CN239331.
Inborn genetic diseases. Identifiers: MedGen C0950123, MeSH D030342.

Allele frequency attached by ClinVar (database versions not stated): ExAC 0.00002; gnomAD exomes 0.00002; TOPMed 0.00002; gnomAD 0.00003.
gnomAD v4.1: 38 of 1,614,112 alleles (0.0024%); highest among the groups gnomAD compares: Middle Eastern, 0.016%; no homozygotes.

Submissions (6):

PreventionGenetics, part of Exact Sciences
Classification: Uncertain significance for RYR1-related condition. Last evaluated: 2026-05-05. Review status: criteria provided, single submitter. Criteria: ACMG Guidelines, 2015. Collection method: clinical testing. Allele origin: germline.
Comment: The RYR1 c.1516G>A variant is predicted to result in the amino acid substitution p.Ala506Thr. This variant has been reported in individuals with features of RYR1-related disorders (Supp. Table 1, Invernizzi et al. 2023. PubMed ID: 37510298; Supp. Table 1, Dosi et al. 2023. PubMed ID: 36833224). This variant is reported in 0.0065% of alleles in individuals of South Asian descent in gnomAD. At this time, the clinical significance of this variant is uncertain due to the absence of conclusive functional and genetic evidence.

Ambry Genetics
Classification: Uncertain significance for Inborn genetic diseases. Last evaluated: 2026-02-24. Review status: criteria provided, single submitter. Criteria: Ambry Variant Classification Scheme 2023. Collection method: clinical testing. Allele origin: germline.
Comment: The c.1516G>A (p.A506T) alteration is located in exon 14 (coding exon 14) of the RYR1 gene. This alteration results from a G to A substitution at nucleotide position 1516, causing the alanine (A) at amino acid position 506 to be replaced by a threonine (T). Based on data from gnomAD, the A allele has an overall frequency of 0.002% (4/251496) total alleles studied. The highest observed frequency was 0.007% (2/30616) of South Asian alleles. Based on insufficient or conflicting evidence, the clinical significance of this alteration remains unclear.

Labcorp Genetics (formerly Invitae), Labcorp
Classification: Uncertain significance for RYR1-related disorder. Last evaluated: 2025-11-22. Review status: criteria provided, single submitter. Criteria: Invitae Variant Classification Sherloc (09022015). Collection method: clinical testing. Allele origin: germline.
Comment: This sequence change replaces alanine, which is neutral and non-polar, with threonine, which is neutral and polar, at codon 506 of the RYR1 protein (p.Ala506Thr). This variant is present in population databases (rs770970932, gnomAD 0.006%). This missense change has been observed in individual(s) with clinical features of autosomal dominant RYR1-related conditions (PMID: 36833224, 37510298; internal data). ClinVar contains an entry for this variant (Variation ID: 2019839). Invitae Evidence Modeling of protein sequence and biophysical properties (such as structural, functional, and spatial information, amino acid conservation, physicochemical variation, residue mobility, and thermodynamic stability) has been performed for this missense variant. However, the output from this modeling did not meet the statistical confidence thresholds required to predict the impact of this variant on RYR1 protein function. In summary, the available evidence is currently insufficient to determine the role of this variant in disease. Therefore, it has been classified as a Variant of Uncertain Significance.

Blueprint Genetics
Classification: Uncertain significance. Last evaluated: 2024-07-25. Review status: criteria provided, single submitter. Criteria: ACMG Guidelines, 2015. Collection method: clinical testing. Allele origin: germline.

Color Diagnostics, LLC DBA Color Health
Classification: Uncertain significance for Malignant hyperthermia, susceptibility to, 1. Last evaluated: 2024-03-07. Review status: criteria provided, single submitter. Criteria: ACMG Guidelines, 2015. Collection method: clinical testing. Allele origin: germline.
Comment: This missense variant replaces alanine with threonine at codon 506 of the RYR1 protein. Computational prediction is inconclusive regarding the impact of this variant on protein structure and function. To our knowledge, functional studies have not been reported for this variant. This variant has not been reported in individuals affected with RYR1-related disorders in the literature. This variant has been identified in 4/251496 chromosomes in the general population by the Genome Aggregation Database (gnomAD). The available evidence is insufficient to determine the role of this variant in disease conclusively. Therefore, this variant is classified as a Variant of Uncertain Significance.

Revvity Omics, Revvity
Classification: Uncertain significance. Last evaluated: 2022-11-01. Review status: criteria provided, single submitter. Criteria: ACMG Guidelines, 2015. Collection method: clinical testing. Allele origin: germline.

Literature cited by the submitters: PubMed 36833224 (cited by Labcorp Genetics (formerly Invitae), Labcorp); PubMed 37510298 (cited by Labcorp Genetics (formerly Invitae), Labcorp).

NM_000540.3(RYR1):c.1516G>A (p.Ala506Thr)

Genes: RYR1 (ryanodine receptor 1; plus strand), LOC129391106 (MPRA-validated peak3472 silencer; plus strand). Cytogenetic location: 19q13.2.
Variant type: single nucleotide variant.
Coding change: c.1516G>A on transcript NM_000540.3 (MANE Select); coding-DNA position 1516, G replaced by A.
Protein change: p.Ala506Thr; replaces alanine 506 with threonine.
Molecular consequence: missense variant.
Genome position (GRCh38, 1-based): chr19:38,455,310, G>A. VCF-style: chr19-38455310-G-A. GRCh37 (hg19) VCF-style: chr19-38945950-G-A.
Other names: c.1516G>A, p.Ala506Thr (NM_001042723.2); short protein forms A506T.
Identifiers: ClinVar variation 2019839 (VCV002019839.13), dbSNP rs770970932, ClinGen allele CA062061.